The following is an entry in ClinVar:

NM_001204.7(BMPR2):c.1191T>G (p.Cys397Trp)

Gene: BMPR2 (bone morphogenetic protein receptor type 2; plus strand). Cytogenetic location: 2q33.2.
Variant type: single nucleotide variant.
Coding change: c.1191T>G on transcript NM_001204.7 (MANE Select); coding-DNA position 1191, T replaced by G.
Protein change: p.Cys397Trp; replaces cysteine 397 with tryptophan.
Molecular consequence: missense variant.
Genome position (GRCh38, 1-based): chr2:202,532,647, T>G. VCF-style: chr2-202532647-T-G. GRCh37 (hg19) VCF-style: chr2-203397370-T-G.
Other names: short protein forms C397W.
Identifiers: ClinVar variation 3824878 (VCV003824878.1).

ClinVar aggregate classification (germline): Uncertain significance (1 of 4 stars; one submission).

Conditions:
Inborn genetic diseases. Identifiers: MedGen C0950123, MeSH D030342.

Submission:

Ambry Genetics
Classification: Uncertain significance for Inborn genetic diseases. Last evaluated: 2025-02-04. Review status: criteria provided, single submitter. Criteria: Ambry Variant Classification Scheme 2023. Collection method: clinical testing. Allele origin: germline.
Comment: The p.C397W variant (also known as c.1191T>G), located in coding exon 9 of the BMPR2 gene, results from a T to G substitution at nucleotide position 1191. The cysteine at codon 397 is replaced by tryptophan, an amino acid with highly dissimilar properties. This amino acid position is conserved. In addition, this alteration is predicted to be deleterious by in silico analysis. Based on the available evidence, the clinical significance of this variant remains unclear.